The following is an entry in ClinVar:

NC_000002.11:g.(?_1748008)_(1748227_?)dup

Gene: PXDN (peroxidasin; minus strand). Cytogenetic location: 2p25.3.
Variant type: Duplication.
Identifiers: ClinVar variation 2425792 (VCV002425792.4).

ClinVar aggregate classification (germline): Uncertain significance (1 of 4 stars; one submission).

Conditions:
Anterior segment dysgenesis 7 (ASGD7). Also called: Anterior segment dysgenesis 7, with sclerocornea; SCLEROCORNEA WITH OTHER OCULAR ANOMALIES. Identifiers: Orphanet 289499, MedGen C3151617, MONDO:0010015, OMIM 269400.

Submission:

Labcorp Genetics (formerly Invitae), Labcorp
Classification: Uncertain significance for Anterior segment dysgenesis 7. Last evaluated: 2022-07-24. Review status: criteria provided, single submitter. Criteria: Invitae Variant Classification Sherloc (09022015). Collection method: clinical testing. Allele origin: germline.
Comment: In summary, the available evidence is currently insufficient to determine the role of this variant in disease. Therefore, it has been classified as a Variant of Uncertain Significance. Experimental studies and prediction algorithms are not available or were not evaluated, and the functional significance of this variant is currently unknown. This variant has not been reported in the literature in individuals affected with PXDN-related conditions. This variant results in a copy number gain of the genomic region encompassing exon(s) 1 of the PXDN gene. This region includes the initiator codon of the gene. This copy number gain extends beyond the assayed region for this gene and therefore may encompass additional genes. As the precise location of this event is unknown, it may be in tandem or it may be located elsewhere in the genome.